The following is an entry in ClinVar:

NM_014795.4(ZEB2):c.2467C>T (p.Gln823Ter)

Gene: ZEB2 (zinc finger E-box binding homeobox 2; minus strand). Cytogenetic location: 2q22.3.
Variant type: single nucleotide variant.
Coding change: c.2467C>T on transcript NM_014795.4 (MANE Select); coding-DNA position 2467, C replaced by T.
Protein change: p.Gln823Ter; replaces glutamine 823 with a stop codon.
Molecular consequence: nonsense.
Genome position (GRCh38, 1-based): chr2:144,398,720, G>A on the plus strand (C>T on the coding strand, the complement: ZEB2 is on the minus strand). VCF-style: chr2-144398720-G-A. GRCh37 (hg19) VCF-style: chr2-145156287-G-A.
Other names: c.2395C>T, p.Gln799Ter (NM_001171653.2); short protein forms Q823*, Q799*.
Identifiers: ClinVar variation 2136008 (VCV002136008.2), dbSNP rs2549105949, ClinGen allele CA348708218.
Genomic context (GRCh38, chr2:144,398,720, plus strand): 5'-TGATGCTACTAGCTTTTGTTTTGTTCTTTGTGGCTATAATACTTTTGGGTTCTTTCATTT[G>A]TTTTGGTAATGACAAGTCTAAAGGCTCAGCCTGGAGCTCCTCAGAAGAGAAGCTGTTTGG-3'

ClinVar aggregate classification (germline): Pathogenic. Review status: criteria provided, multiple submitters, no conflicts (2 of 4 stars). 2 submissions from 2 submitters: Pathogenic (2). Last evaluated 2023-01-19.

Submissions (2):

GeneDx
Classification: Pathogenic. Last evaluated: 2023-01-19. Review status: criteria provided, single submitter. Criteria: GeneDx Variant Classification Process June 2021. Collection method: clinical testing. Allele origin: germline. Affected: yes.
Comment: Nonsense variant predicted to result in protein truncation or nonsense mediated decay in a gene for which loss of function is a known mechanism of disease; Not observed at significant frequency in large population cohorts (gnomAD); Has not been previously published as pathogenic or benign to our knowledge

Clinical Genetics Laboratory, Skane University Hospital Lund
Classification: Pathogenic. Last evaluated: 2022-11-03. Review status: criteria provided, single submitter. Criteria: ACMG Guidelines, 2015. Collection method: clinical testing. Allele origin: germline. Affected: yes.